The following is an entry in ClinVar:

NM_201384.3(PLEC):c.808G>A (p.Asp270Asn)

Gene: PLEC (plectin; minus strand). Cytogenetic location: 8q24.3.
Variant type: single nucleotide variant.
Coding change: c.808G>A on transcript NM_201384.3 (MANE Select); coding-DNA position 808, G replaced by A.
Protein change: p.Asp270Asn; replaces aspartic acid 270 with asparagine.
Molecular consequence: missense variant.
Genome position (GRCh38, 1-based): chr8:143,935,028, C>T on the plus strand (G>A on the coding strand, the complement: PLEC is on the minus strand). VCF-style: chr8-143935028-C-T. GRCh37 (hg19) VCF-style: chr8-145009196-C-T.
Other names: c.889G>A, p.Asp297Asn (NM_000445.5, NM_001410941.1); c.766G>A, p.Asp256Asn (NM_201378.4); c.742G>A, p.Asp248Asn (NM_201379.3); c.1219G>A, p.Asp407Asn (NM_201380.4); c.712G>A, p.Asp238Asn (NM_201381.3); c.808G>A, p.Asp270Asn (NM_201382.4); c.820G>A, p.Asp274Asn (NM_201383.3); short protein forms D238N, D274N, D297N, D407N, D248N, D270N, D256N.
Identifiers: ClinVar variation 2952633 (VCV002952633.3), dbSNP rs2539028295, ClinGen allele CA372586973.

ClinVar aggregate classification (germline): Uncertain significance (1 of 4 stars; one submission).

Conditions:
Epidermolysis bullosa simplex with nail dystrophy (EBS5D). Identifiers: MedGen C4225309, MONDO:0014661, OMIM 616487.
Autosomal recessive limb-girdle muscular dystrophy type 2Q (LGMDR17). Also called: MUSCULAR DYSTROPHY, LIMB-GIRDLE, AUTOSOMAL RECESSIVE 17. Identifiers: Orphanet 254361, MedGen C3150989, MONDO:0013390, OMIM 613723.
Epidermolysis bullosa simplex 5C, with pyloric atresia (EBS5C). Also called: PLEC1-Related Epidermolysis Bullosa with Pyloric Atresia; PLEC-Related Epidermolysis Bullosa with Pyloric Atresia; Epidermolysis bullosa simplex with pyloric atresia. Identifiers: Orphanet 158684, MedGen C2677349, MONDO:0012807, OMIM 612138.
Epidermolysis bullosa simplex 5B, with muscular dystrophy (EBS5B). Also called: Epidermolysis bullosa simplex with muscular dystrophy; EPIDERMOLYSIS BULLOSA SIMPLEX AND LIMB-GIRDLE MUSCULAR DYSTROPHY. Identifiers: Orphanet 257, MedGen C2931072, MONDO:0009181, OMIM 226670.
Epidermolysis bullosa simplex, Ogna type (EBS5A). Also called: EPIDERMOLYSIS BULLOSA SIMPLEX 5A, OGNA TYPE; Pidermolysis bullosa simplex 5A, Ogna type. Identifiers: Orphanet 79401, MedGen C0432317, MONDO:0007555, OMIM 131950.

Submission:

Labcorp Genetics (formerly Invitae), Labcorp
Classification: Uncertain significance for Autosomal recessive limb-girdle muscular dystrophy type 2Q; Epidermolysis bullosa simplex, Ogna type; Epidermolysis bullosa simplex with nail dystrophy; Epidermolysis bullosa simplex 5C, with pyloric atresia; Epidermolysis bullosa simplex 5B, with muscular dystrophy. Last evaluated: 2023-11-25. Review status: criteria provided, single submitter. Criteria: Invitae Variant Classification Sherloc (09022015). Collection method: clinical testing. Allele origin: germline.
Comment: This sequence change replaces aspartic acid, which is acidic and polar, with asparagine, which is neutral and polar, at codon 297 of the PLEC protein (p.Asp297Asn). This variant is not present in population databases (gnomAD no frequency). This variant has not been reported in the literature in individuals affected with PLEC-related conditions. Advanced modeling of protein sequence and biophysical properties (such as structural, functional, and spatial information, amino acid conservation, physicochemical variation, residue mobility, and thermodynamic stability) performed at Invitae indicates that this missense variant is not expected to disrupt PLEC protein function with a negative predictive value of 80%. In summary, the available evidence is currently insufficient to determine the role of this variant in disease. Therefore, it has been classified as a Variant of Uncertain Significance.